The following is an entry in ClinVar:

NM_000059.4(BRCA2):c.5885T>G (p.Ile1962Arg)

Gene: BRCA2 (BRCA2 DNA repair associated; plus strand). Cytogenetic location: 13q13.1.
Variant type: single nucleotide variant.
Coding change: c.5885T>G on transcript NM_000059.4 (MANE Select); coding-DNA position 5885, T replaced by G.
Protein change: p.Ile1962Arg; replaces isoleucine 1962 with arginine.
Molecular consequence: missense variant.
Genome position (GRCh38, 1-based): chr13:32,340,240, T>G. VCF-style: chr13-32340240-T-G. GRCh37 (hg19) VCF-style: chr13-32914377-T-G.
Other names: short protein forms I1962R.
Identifiers: ClinVar variation 650353 (VCV000650353.10), dbSNP rs1060502377, ClinGen allele CA387787469.

ClinVar aggregate classification (germline): Conflicting classifications of pathogenicity. Review status: criteria provided, conflicting classifications (1 of 4 stars). 2 submissions from 2 submitters: Uncertain significance (1); Likely benign (1). Last evaluated 2023-03-23.

Conditions:
Hereditary breast ovarian cancer syndrome. Also called: Breast and ovarian cancer; BRCA1- and BRCA2-Associated Hereditary Breast and Ovarian Cancer; Hereditary breast and ovarian cancer; Hereditary breast and ovarian cancer syndrome (HBOC); Hereditary breast and/or ovarian cancer syndrome; Hereditary breast and ovarian cancer syndrome. Identifiers: Orphanet 145, MedGen C0677776, MeSH D061325, MONDO:0003582. Disease mechanism: loss of function.
Hereditary cancer-predisposing syndrome. Also called: Neoplastic Syndromes, Hereditary; Tumor predisposition; Hereditary Cancer Syndrome; Hereditary neoplastic syndrome. Identifiers: Orphanet 140162, MedGen C0027672, MeSH D009386, MONDO:0015356.

gnomAD v4.1: 1 of 1,613,994 alleles (0.000062%); highest among the groups gnomAD compares: Non-Finnish European, 0.000085%; no homozygotes.

Submissions (2):

University of Washington Department of Laboratory Medicine, University of Washington
Classification: Likely benign for Hereditary cancer-predisposing syndrome. Last evaluated: 2023-03-23. Review status: criteria provided, single submitter. Criteria: Dines et al. (Genet Med. 2020). Collection method: curation. Allele origin: germline.
Comment: Missense variant in a coldspot region where missense variants are very unlikely to be pathogenic (PMID:31911673).

BRCA2 exon 11 coldspot. Reclassification based on statistical prior probability.

Labcorp Genetics (formerly Invitae), Labcorp
Classification: Uncertain significance for Hereditary breast ovarian cancer syndrome. Last evaluated: 2018-07-26. Review status: criteria provided, single submitter. Criteria: Invitae Variant Classification Sherloc (09022015). Collection method: clinical testing. Allele origin: germline.
Comment: In summary, the available evidence is currently insufficient to determine the role of this variant in disease. Therefore, it has been classified as a Variant of Uncertain Significance. This sequence change replaces isoleucine with arginine at codon 1962 of the BRCA2 protein (p.Ile1962Arg). The isoleucine residue is weakly conserved and there is a moderate physicochemical difference between isoleucine and arginine. This variant is not present in population databases (ExAC no frequency). This variant has not been reported in the literature in individuals with BRCA2-related disease. Algorithms developed to predict the effect of missense changes on protein structure and function output the following: SIFT: "Tolerated"; PolyPhen-2: "Benign"; Align-GVGD: "Class C0". The arginine amino acid residue is found in multiple mammalian species, suggesting that this missense change does not adversely affect protein function. These predictions have not been confirmed by published functional studies and their clinical significance is uncertain.